The following is an entry in ClinVar:

NM_015450.3(POT1):c.675C>A (p.Asn225Lys)

Gene: POT1 (protection of telomeres 1; minus strand). Cytogenetic location: 7q31.33.
Variant type: single nucleotide variant.
Coding change: c.675C>A on transcript NM_015450.3 (MANE Select); coding-DNA position 675, C replaced by A.
Protein change: p.Asn225Lys; replaces asparagine 225 with lysine.
Molecular consequence: missense variant. On other transcripts: non-coding transcript variant (3).
Genome position (GRCh38, 1-based): chr7:124,858,984, G>T on the plus strand (C>A on the coding strand, the complement: POT1 is on the minus strand). VCF-style: chr7-124858984-G-T. GRCh37 (hg19) VCF-style: chr7-124499038-G-T.
Other names: c.282C>A, p.Asn94Lys (NM_001042594.2); short protein forms N225K, N94K.
Identifiers: ClinVar variation 475093 (VCV000475093.14), dbSNP rs1050055964, ClinGen allele CA369056099.

ClinVar aggregate classification (germline): Uncertain significance. Review status: criteria provided, multiple submitters, no conflicts (2 of 4 stars). 3 submissions from 3 submitters: Uncertain significance (3). Last evaluated 2025-06-13.

Conditions:
Tumor predisposition syndrome 3 (TPDS3). Also called: Glioma susceptibility 9; LONG TELOMERE SYNDROME, POT1-RELATED; POT1 Tumor Predisposition; Melanoma, cutaneous malignant, susceptibility to, 10. Identifiers: Orphanet 618, MedGen C4014476, MONDO:0014368, OMIM 615848.
Hereditary cancer-predisposing syndrome. Also called: Hereditary neoplastic syndrome; Hereditary Cancer Syndrome; Neoplastic Syndromes, Hereditary; Tumor predisposition. Identifiers: Orphanet 140162, MedGen C0027672, MeSH D009386, MONDO:0015356.

gnomAD v4.1: 3 of 1,610,718 alleles (0.00019%); highest among the groups gnomAD compares: East Asian, 0.0022%; no homozygotes.

Submissions (3):

Ambry Genetics
Classification: Uncertain significance for Hereditary cancer-predisposing syndrome. Last evaluated: 2025-06-13. Review status: criteria provided, single submitter. Criteria: Ambry Variant Classification Scheme 2023. Collection method: clinical testing. Allele origin: germline.
Comment: The p.N225K variant (also known as c.675C>A), located in coding exon 5 of the POT1 gene, results from a C to A substitution at nucleotide position 675. The asparagine at codon 225 is replaced by lysine, an amino acid with similar properties. This alteration has been observed in at least one individual with a personal and/or family history that is consistent with POT1-related disease (Ambry internal data). This amino acid position is highly conserved in available vertebrate species. In addition, this alteration is predicted to be tolerated by in silico analysis. Based on the available evidence, the clinical significance of this variant remains unclear.

Labcorp Genetics (formerly Invitae), Labcorp
Classification: Uncertain significance for Tumor predisposition syndrome 3. Last evaluated: 2025-01-13. Review status: criteria provided, single submitter. Criteria: Invitae Variant Classification Sherloc (09022015). Collection method: clinical testing. Allele origin: germline.
Comment: This sequence change replaces asparagine, which is neutral and polar, with lysine, which is basic and polar, at codon 225 of the POT1 protein (p.Asn225Lys). This variant is not present in population databases (gnomAD no frequency). This variant has not been reported in the literature in individuals affected with POT1-related conditions. ClinVar contains an entry for this variant (Variation ID: 475093). Invitae Evidence Modeling of protein sequence and biophysical properties (such as structural, functional, and spatial information, amino acid conservation, physicochemical variation, residue mobility, and thermodynamic stability) indicates that this missense variant is not expected to disrupt POT1 protein function with a negative predictive value of 80%. In summary, the available evidence is currently insufficient to determine the role of this variant in disease. Therefore, it has been classified as a Variant of Uncertain Significance.

GeneDx
Classification: Uncertain significance. Last evaluated: 2023-12-28. Review status: criteria provided, single submitter. Criteria: GeneDx Variant Classification Process June 2021. Collection method: clinical testing. Allele origin: germline. Affected: yes.
Comment: Not observed at significant frequency in large population cohorts (gnomAD); In silico analysis supports that this missense variant has a deleterious effect on protein structure/function; Has not been previously published as pathogenic or benign to our knowledge; This variant is associated with the following publications: (PMID: 28393830)